The following is an entry in ClinVar:

ClinVar aggregate classification (germline): Benign/Likely benign. Review status: criteria provided, multiple submitters, no conflicts (2 of 4 stars). 6 submissions from 6 submitters: Benign (4); Likely benign (2). Last evaluated 2026-02-01.

Conditions:
Charcot-Marie-Tooth disease type 2. Also called: Charcot-Marie-Tooth type 2. Identifiers: Orphanet 64746, MedGen C0270914, MONDO:0018993.
Charcot-Marie-Tooth disease. Also called: Charcot-Marie-Tooth Neuropathy; Charcot-Marie-Tooth Hereditary Neuropathy. Identifiers: Orphanet 166, MedGen C0007959, MONDO:0015626.
Neuroblastoma (NB). Identifiers: Orphanet 635, MedGen C0027819, MeSH D009447, MONDO:0005072, HP:0003006.

Allele frequency attached by ClinVar (database versions not stated): gnomAD 0.00004 and 0.00073; gnomAD exomes 0.00140 and 0.00286; 1000 Genomes Project 0.00539; TOPMed 0.00016; 1000 Genomes Project 30x 0.00453; ExAC 0.00329.
gnomAD v4.1: 2,169 of 1,614,204 alleles (0.13%); highest among the groups gnomAD compares: South Asian, 2.2%; 40 homozygotes.

Submissions (6):

Labcorp Genetics (formerly Invitae), Labcorp
Classification: Benign for Charcot-Marie-Tooth disease type 2. Last evaluated: 2026-02-01. Review status: criteria provided, single submitter. Criteria: Invitae Variant Classification Sherloc (09022015). Collection method: clinical testing. Allele origin: germline.

Ambry Genetics
Classification: Benign. Last evaluated: 2020-07-06. Review status: criteria provided, single submitter. Criteria: Ambry Variant Classification Scheme 2023. Collection method: clinical testing. Allele origin: germline.

ARUP Laboratories, Molecular Genetics and Genomics, ARUP Laboratories
Classification: Benign. Last evaluated: 2019-10-07. Review status: criteria provided, single submitter. Criteria: ARUP Molecular Germline Variant Investigation Process. Collection method: clinical testing. Allele origin: germline.

Illumina Laboratory Services, Illumina
Classification: Benign for Neuroblastoma. Last evaluated: 2018-01-13. Review status: criteria provided, single submitter. Criteria: ICSL Variant Classification Criteria 13 December 2019. Collection method: clinical testing. Allele origin: germline.
Comment: This variant was observed in the ICSL laboratory as part of a predisposition screen in an ostensibly healthy population. It had not been previously curated by ICSL or reported in the Human Gene Mutation Database (HGMD: prior to June 1st, 2018), and was therefore a candidate for classification through an automated scoring system. Utilizing variant allele frequency, disease prevalence and penetrance estimates, and inheritance mode, an automated score was calculated to assess if this variant is too frequent to cause the disease. Based on the score and internal cut-off values, a variant classified as benign is not then subjected to further curation. The score for this variant resulted in a classification of benign for this disease.

Breakthrough Genomics
Classification: Likely benign. Review status: criteria provided, single submitter. Criteria: ACMG Guidelines, 2015. Collection method: not provided. Allele origin: germline. Inheritance: Autosomal dominant inheritance. Affected: yes.

Molecular Genetics Laboratory, London Health Sciences Centre
Classification: Likely benign for Charcot-Marie-Tooth disease. Review status: criteria provided, single submitter. Criteria: ACMG Guidelines, 2015. Collection method: clinical testing. Allele origin: germline. Affected: yes.

NM_001365951.3(KIF1B):c.2245T>C (p.Trp749Arg)

Gene: KIF1B (kinesin family member 1B; plus strand). Cytogenetic location: 1p36.22.
Variant type: single nucleotide variant.
Coding change: c.2245T>C on transcript NM_001365951.3 (MANE Select); coding-DNA position 2245, T replaced by C.
Protein change: p.Trp749Arg; replaces tryptophan 749 with arginine.
Molecular consequence: missense variant.
Genome position (GRCh38, 1-based): chr1:10,321,744, T>C. VCF-style: chr1-10321744-T-C. GRCh37 (hg19) VCF-style: chr1-10381802-T-C.
Other names: c.2245T>C, p.Trp749Arg (NM_001365952.1); c.2107T>C, p.Trp703Arg (NM_015074.3); short protein forms W703R, W749R.
Identifiers: ClinVar variation 240956 (VCV000240956.26), dbSNP rs551543997, ClinGen allele CA581487.